The following is an entry in ClinVar:

NM_000391.4(TPP1):c.275C>A (p.Ser92Tyr)

Gene: TPP1 (tripeptidyl peptidase 1; minus strand). Cytogenetic location: 11p15.4.
Variant type: single nucleotide variant.
Coding change: c.275C>A on transcript NM_000391.4 (MANE Select); coding-DNA position 275, C replaced by A.
Protein change: p.Ser92Tyr; replaces serine 92 with tyrosine.
Molecular consequence: missense variant.
Genome position (GRCh38, 1-based): chr11:6,617,731, G>T on the plus strand (C>A on the coding strand, the complement: TPP1 is on the minus strand). VCF-style: chr11-6617731-G-T. GRCh37 (hg19) VCF-style: chr11-6638962-G-T.
Other names: short protein forms S92Y.
Identifiers: ClinVar variation 1518791 (VCV001518791.6), dbSNP rs771957036, ClinGen allele CA217324279.

ClinVar aggregate classification (germline): Uncertain significance (1 of 4 stars; one submission).

Allele frequency attached by ClinVar (database versions not stated): gnomAD exomes below 0.00001; gnomAD 0.00001.
gnomAD v4.1: 6 of 1,614,096 alleles (0.00037%); highest among the groups gnomAD compares: African/African-American, 0.0013%; no homozygotes.

Submission:

Labcorp Genetics (formerly Invitae), Labcorp
Classification: Uncertain significance. Last evaluated: 2025-07-25. Review status: criteria provided, single submitter. Criteria: Invitae Variant Classification Sherloc (09022015). Collection method: clinical testing. Allele origin: germline.
Comment: This sequence change replaces serine, which is neutral and polar, with tyrosine, which is neutral and polar, at codon 92 of the TPP1 protein (p.Ser92Tyr). This variant is not present in population databases (gnomAD no frequency). This variant has not been reported in the literature in individuals affected with TPP1-related conditions. ClinVar contains an entry for this variant (Variation ID: 1518791). Invitae Evidence Modeling of protein sequence and biophysical properties (such as structural, functional, and spatial information, amino acid conservation, physicochemical variation, residue mobility, and thermodynamic stability) indicates that this missense variant is expected to disrupt TPP1 protein function with a positive predictive value of 80%. In summary, the available evidence is currently insufficient to determine the role of this variant in disease. Therefore, it has been classified as a Variant of Uncertain Significance.